The following is an entry in ClinVar:

NM_020745.4(AARS2):c.946C>T (p.Arg316Cys)

Gene: AARS2 (alanyl-tRNA synthetase 2, mitochondrial; minus strand). Cytogenetic location: 6p21.1.
Variant type: single nucleotide variant.
Coding change: c.946C>T on transcript NM_020745.4 (MANE Select); coding-DNA position 946, C replaced by T.
Protein change: p.Arg316Cys; replaces arginine 316 with cysteine.
Molecular consequence: missense variant.
Genome position (GRCh38, 1-based): chr6:44,307,343, G>A on the plus strand (C>T on the coding strand, the complement: AARS2 is on the minus strand). VCF-style: chr6-44307343-G-A. GRCh37 (hg19) VCF-style: chr6-44275080-G-A.
Other names: p.R316C:CGC>TGC; short protein forms R316C.
Identifiers: ClinVar variation 213964 (VCV000213964.3), dbSNP rs765720580, ClinGen allele CA321342.
Genomic context (GRCh38, chr6:44,307,343, plus strand): 5'-AGATGCAGACACTGAGTGTGCGGATGTGGTCAGCCACCACGCGGTACGCTGTGTCTGTGC[G>A]CCCCTCGTCTGCCACCCCTACTCGGCCCAAGTAAGGGGGTGCCCTGCAGCCCTGGGAAGC-3'
Protein context (NP_065796.2, residues 306-326): LGRVGVADEG[Arg316Cys]TDTAYRVVAD

ClinVar aggregate classification (germline): Uncertain significance. Review status: criteria provided, multiple submitters, no conflicts (2 of 4 stars). 2 submissions from 2 submitters: Uncertain significance (2). Last evaluated 2024-09-18.

Allele frequency attached by ClinVar (database versions not stated): gnomAD exomes 0.00001; TOPMed 0.00001; gnomAD 0.00002 and 0.00001; ExAC 0.00001.

Submissions (2):

Labcorp Genetics (formerly Invitae), Labcorp
Classification: Uncertain significance. Last evaluated: 2024-09-18. Review status: criteria provided, single submitter. Criteria: Invitae Variant Classification Sherloc (09022015). Collection method: clinical testing. Allele origin: germline.
Comment: This sequence change replaces arginine, which is basic and polar, with cysteine, which is neutral and slightly polar, at codon 316 of the AARS2 protein (p.Arg316Cys). This variant is present in population databases (rs765720580, gnomAD 0.02%). This variant has not been reported in the literature in individuals affected with AARS2-related conditions. ClinVar contains an entry for this variant (Variation ID: 213964). Invitae Evidence Modeling of protein sequence and biophysical properties (such as structural, functional, and spatial information, amino acid conservation, physicochemical variation, residue mobility, and thermodynamic stability) indicates that this missense variant is expected to disrupt AARS2 protein function with a positive predictive value of 80%. Algorithms developed to predict the effect of sequence changes on RNA splicing suggest that this variant may disrupt the consensus splice site. In summary, the available evidence is currently insufficient to determine the role of this variant in disease. Therefore, it has been classified as a Variant of Uncertain Significance.

GeneDx
Classification: Uncertain significance. Last evaluated: 2013-09-09. Review status: criteria provided, single submitter. Criteria: GeneDx Variant Classification (06012015). Collection method: clinical testing. Allele origin: germline. Affected: yes.
Comment: p.Arg316Cys (CGC>TGC): c.946 C>T in exon 6 of the AARS2 gene (NM_020745.2). The R316C missense substitution has not been published as a mutation, nor has it been reported as a benign polymorphism to our knowledge. The amino acid change is non-conservative in that a positively charged Arginine residue is replaced by an uncharged Cysteine residue, and the introduction of a Cysteine may affect disulfide bonds in the AARS2 protein. This change occurs at a position in the AARS2 protein that is not highly conserved. Multiple in-silico analysis programs predict that R316C is damaging to the AARS2 protein. Therefore, based on the currently available information, it is unclear whether R316C is a disease-causing mutation or a rare benign variant. The variant is found in MITONUC-MITOP panel(s).